The following is an entry in ClinVar:

ClinVar aggregate classification (germline): Pathogenic (1 of 4 stars; one submission).

Submission:

Labcorp Genetics (formerly Invitae), Labcorp
Classification: Pathogenic. Last evaluated: 2023-05-24. Review status: criteria provided, single submitter. Criteria: Invitae Variant Classification Sherloc (09022015). Collection method: clinical testing. Allele origin: germline.
Comment: This sequence change creates a premature translational stop signal (p.Leu1446Ilefs*11) in the LAMA3 gene. It is expected to result in an absent or disrupted protein product. Loss-of-function variants in LAMA3 are known to be pathogenic (PMID: 10366601, 11810295, 12915477, 16473856, 17362460, 22434185, 23869449, 27827380, 28087116). For these reasons, this variant has been classified as Pathogenic. This variant has not been reported in the literature in individuals affected with LAMA3-related conditions. This variant is not present in population databases (gnomAD no frequency).

Literature cited by the submitters: PubMed 10366601; PubMed 11810295; PubMed 12915477; PubMed 16473856; PubMed 17362460; PubMed 22434185; PubMed 23869449; PubMed 27827380; PubMed 28087116.

NM_198129.4(LAMA3):c.9162dup (p.Leu3055fs)

Gene: LAMA3 (laminin subunit alpha 3; plus strand). Cytogenetic location: 18q11.2.
Variant type: Duplication.
Coding change: c.9162dup on transcript NM_198129.4 (MANE Select); coding-DNA position 9162, one base duplicated (A; older notation c.9162dupA).
Protein change: p.Leu3055fs; shifts the reading frame from leucine 3055.
Molecular consequence: frameshift variant.
Genome position (GRCh38, 1-based): chr18:23,943,923, A duplicated; the last of 6 consecutive A bases (chr18:23,943,918-23,943,923); duplicating any one gives the same sequence. VCF-style (leftmost placement, unchanged base first): chr18-23943917-G-GA. GRCh37 (hg19) VCF-style: chr18-21523881-G-GA.
Other names: c.4335dup, p.Leu1446fs (NM_000227.6); c.8994dup, p.Leu2999fs (NM_001127717.4); c.4167dup, p.Leu1390fs (NM_001127718.4); short protein forms L1390fs, L3055fs, L1446fs, L2999fs.
Identifiers: ClinVar variation 2736716 (VCV002736716.3), dbSNP rs2511638154, ClinGen allele CA2695227500.